The following is an entry in ClinVar:

ClinVar aggregate classification (germline): Pathogenic/Likely pathogenic. Review status: criteria provided, multiple submitters, no conflicts (2 of 4 stars). 2 submissions from 2 submitters: Pathogenic (1); Likely pathogenic (1). Last evaluated 2022-05-28.

Conditions:
Hereditary spastic paraplegia. Also called: Familial spastic paraparesis. Identifiers: Orphanet 685, MedGen C0037773, MONDO:0019064. Disease mechanism: loss of function.
Spastic paraplegia. Identifiers: MedGen C0037772, HP:0001258.

Submissions (2):

Labcorp Genetics (formerly Invitae), Labcorp
Classification: Likely pathogenic for Spastic paraplegia. Last evaluated: 2022-05-28. Review status: criteria provided, single submitter. Criteria: Invitae Variant Classification Sherloc (09022015). Collection method: clinical testing. Allele origin: germline.
Comment: In summary, the currently available evidence indicates that the variant is pathogenic, but additional data are needed to prove that conclusively. Therefore, this variant has been classified as Likely Pathogenic. Algorithms developed to predict the effect of missense changes on protein structure and function (SIFT, PolyPhen-2, Align-GVGD) all suggest that this variant is likely to be disruptive. ClinVar contains an entry for this variant (Variation ID: 859651). This missense change has been observed in individual(s) with clinical features of autosomal dominant hereditary spastic paraplegia (PMID: 32147972; Invitae). In at least one individual the variant was observed to be de novo. This variant is not present in population databases (gnomAD no frequency). This sequence change replaces glutamine, which is neutral and polar, with lysine, which is basic and polar, at codon 63 of the ERLIN2 protein (p.Gln63Lys).

Paris Brain Institute, Inserm - ICM
Classification: Pathogenic for Hereditary spastic paraplegia. Review status: criteria provided, single submitter. Criteria: ACMG Guidelines, 2015. Collection method: clinical testing. Allele origin: unknown. Affected: yes. Observed: 1 variant allele.

Literature cited by the submitters: PubMed 32147972 (cited by Labcorp Genetics (formerly Invitae), Labcorp).

NM_007175.8(ERLIN2):c.187C>A (p.Gln63Lys)

Gene: ERLIN2 (ER lipid raft associated 2; plus strand). Cytogenetic location: 8p11.23.
Variant type: single nucleotide variant.
Coding change: c.187C>A on transcript NM_007175.8 (MANE Select); coding-DNA position 187, C replaced by A.
Protein change: p.Gln63Lys; replaces glutamine 63 with lysine.
Molecular consequence: missense variant.
Genome position (GRCh38, 1-based): chr8:37,740,444, C>A. VCF-style: chr8-37740444-C-A. GRCh37 (hg19) VCF-style: chr8-37597962-C-A.
Other names: c.187C>A, p.Gln63Lys (NM_001003790.4, NM_001003791.3, NM_001362878.2 and 1 more transcripts); short protein forms Q63K.
Identifiers: ClinVar variation 859651 (VCV000859651.8), dbSNP rs1802811311, ClinGen allele CA370650183.